The following is an entry in ClinVar:

NM_002296.4(LBR):c.1534C>T (p.Arg512Trp)

Gene: LBR (lamin B receptor; minus strand). Cytogenetic location: 1q42.12.
Variant type: single nucleotide variant.
Coding change: c.1534C>T on transcript NM_002296.4 (MANE Select); coding-DNA position 1534, C replaced by T.
Protein change: p.Arg512Trp; replaces arginine 512 with tryptophan.
Molecular consequence: missense variant.
Genome position (GRCh38, 1-based): chr1:225,404,656, G>A on the plus strand (C>T on the coding strand, the complement: LBR is on the minus strand). VCF-style: chr1-225404656-G-A. GRCh37 (hg19) VCF-style: chr1-225592358-G-A.
Other names: c.1534C>T, p.Arg512Trp (NM_194442.3); short protein forms R512W.
Identifiers: ClinVar variation 4853933 (VCV004853933.2).

ClinVar aggregate classification (germline): Pathogenic/Likely pathogenic. Review status: criteria provided, multiple submitters, no conflicts (2 of 4 stars). 2 submissions from 2 submitters: Pathogenic (1); Likely pathogenic (1). Last evaluated 2025-07-02.

Conditions:
Chondrodysplasia. Identifiers: MedGen C0343284, MONDO:0022723.
LBR-related disorder. Also called: LBR-related condition; LBR-related disorders.

gnomAD v4.1: 14 of 1,611,374 alleles (0.00087%); highest among the groups gnomAD compares: African/African-American, 0.0013%; no homozygotes.

Submissions (2):

3billion
Classification: Likely pathogenic for LBR-related disorder. Last evaluated: 2025-07-02. Review status: criteria provided, single submitter. Criteria: ACMG Guidelines, 2015. Collection method: clinical testing. Allele origin: germline. Affected: yes.
Comment: The variant is observed at an extremely low frequency in the gnomAD v4.1.0 dataset (total allele frequency: <0.001%). Predicted Consequence/Location: Missense variant In silico tool predictions suggest damaging effect of the variant on gene or gene product [REVEL: 0.98 (>=0.6, sensitivity 0.68 and specificity 0.92)]. The same nucleotide change resulting in the same amino acid change has been previously reported to be associated with LBR-related disorder (PMID: 30448303). A different missense change at the same codon (p.Arg512Gln) has been reported as pathogenic/likely pathogenic with strong evidence (ClinVar ID: VCV000424332 /PMID: 28600779). Therefore, this variant is classified as Likely pathogenic according to the recommendation of ACMG/AMP guideline.

AURAGEN, Plan France Médecine Génomique
Classification: Pathogenic for Chondrodysplasia. Last evaluated: 2021-10-25. Review status: criteria provided, single submitter. Criteria: PFMG2025 (Lancet Reg Health Eur. 2025). Collection method: clinical testing. Allele origin: germline. Affected: yes.

Literature cited by the submitters: PubMed 28600779 (cited by 3billion); PubMed 30448303 (cited by 3billion).